The following is an entry in ClinVar:

NM_006348.5(COG5):c.2038A>T (p.Ile680Leu)

Gene: COG5 (component of oligomeric golgi complex 5; minus strand). Cytogenetic location: 7q22.3.
Variant type: single nucleotide variant.
Coding change: c.2038A>T on transcript NM_006348.5 (MANE Select); coding-DNA position 2038, A replaced by T.
Protein change: p.Ile680Leu; replaces isoleucine 680 with leucine.
Molecular consequence: missense variant. On other transcripts: intron variant (1).
Genome position (GRCh38, 1-based): chr7:107,236,503, T>A on the plus strand (A>T on the coding strand, the complement: COG5 is on the minus strand). VCF-style: chr7-107236503-T-A. GRCh37 (hg19) VCF-style: chr7-106876948-T-A.
Other names: c.2038A>T, p.Ile680Leu (NM_001161520.2, NM_001379513.1); c.1876A>T, p.Ile626Leu (NM_001379511.1); c.1864A>T, p.Ile622Leu (NM_001379512.1); c.1468A>T, p.Ile490Leu (NM_001379515.1); c.1324A>T, p.Ile442Leu (NM_001379516.1); c.1975A>T, p.Ile659Leu (NM_181733.4); c.1853+11893A>T (NM_001379514.1); short protein forms I659L, I680L, I490L, I622L, I626L, I442L.
Identifiers: ClinVar variation 851550 (VCV000851550.10), dbSNP rs777624204, ClinGen allele CA4430718.

ClinVar aggregate classification (germline): Uncertain significance (1 of 4 stars; one submission).

Conditions:
COG5-congenital disorder of glycosylation. Also called: CDG IIi; CONGENITAL DISORDER OF GLYCOSYLATION, TYPE IIi; COG5-CDG. Identifiers: Orphanet 263487, MedGen C3150876, MONDO:0013325, OMIM 613612.

Allele frequency attached by ClinVar (database versions not stated): ExAC 0.00001; TOPMed 0.00002.
gnomAD v4.1: 2 of 1,613,530 alleles (0.00012%); highest among the groups gnomAD compares: African/African-American, 0.0027%; no homozygotes.

Submission:

Labcorp Genetics (formerly Invitae), Labcorp
Classification: Uncertain significance for COG5-congenital disorder of glycosylation. Last evaluated: 2019-12-18. Review status: criteria provided, single submitter. Criteria: Invitae Variant Classification Sherloc (09022015). Collection method: clinical testing. Allele origin: germline.
Comment: This sequence change replaces isoleucine with leucine at codon 711 of the COG5 protein (p.Ile711Leu). The isoleucine residue is moderately conserved and there is a small physicochemical difference between isoleucine and leucine. This variant is present in population databases (rs777624204, ExAC 0.01%). This variant has not been reported in the literature in individuals with COG5-related conditions. Algorithms developed to predict the effect of missense changes on protein structure and function output the following: SIFT: "Tolerated"; PolyPhen-2: "Benign"; Align-GVGD: "Class C0". The leucine amino acid residue is found in multiple mammalian species, suggesting that this missense change does not adversely affect protein function. These predictions have not been confirmed by published functional studies and their clinical significance is uncertain. In summary, the available evidence is currently insufficient to determine the role of this variant in disease. Therefore, it has been classified as a Variant of Uncertain Significance.